The following is an entry in ClinVar:

ClinVar aggregate classification (germline): Pathogenic. Review status: criteria provided, multiple submitters, no conflicts (2 of 4 stars). 2 submissions from 2 submitters: Pathogenic (2). Last evaluated 2025-07-02.

Conditions:
PROM1-related disorder. Also called: PROM1-related disorders; PROM1-related condition.

Submissions (2):

Labcorp Genetics (formerly Invitae), Labcorp
Classification: Pathogenic. Last evaluated: 2025-07-02. Review status: criteria provided, single submitter. Criteria: Invitae Variant Classification Sherloc (09022015). Collection method: clinical testing. Allele origin: germline.
Comment: This sequence change creates a premature translational stop signal (p.Val475Leufs*42) in the PROM1 gene. It is expected to result in an absent or disrupted protein product. Loss-of-function variants in PROM1 are known to be pathogenic (PMID: 17605048, 19718270, 24154662, 25474345). This variant is not present in population databases (gnomAD no frequency). This variant has not been reported in the literature in individuals affected with PROM1-related conditions. For these reasons, this variant has been classified as Pathogenic.

Blueprint Genetics
Classification: Pathogenic for PROM1-related disorders. Last evaluated: 2023-08-03. Review status: criteria provided, single submitter. Criteria: ACMG Guidelines, 2015. Collection method: clinical testing. Allele origin: germline. Affected: yes. Observed: 5 variant alleles.

Literature cited by the submitters: PubMed 17605048 (cited by Labcorp Genetics (formerly Invitae), Labcorp); PubMed 19718270 (cited by Labcorp Genetics (formerly Invitae), Labcorp); PubMed 24154662 (cited by Labcorp Genetics (formerly Invitae), Labcorp); PubMed 25474345 (cited by Labcorp Genetics (formerly Invitae), Labcorp).

NM_006017.3(PROM1):c.1423_1424del (p.Val475fs)

Gene: PROM1 (prominin 1; minus strand). Cytogenetic location: 4p15.32.
Variant type: Microsatellite.
Coding change: c.1423_1424del on transcript NM_006017.3 (MANE Select); coding-DNA positions 1423 to 1424, 2 bases deleted (GT; older notation c.1423_1424delGT).
Protein change: p.Val475fs; shifts the reading frame from valine 475.
Molecular consequence: frameshift variant.
Genome position (GRCh38, 1-based): chr4:16,006,568-16,006,569, AC deleted on the plus strand (GT on the coding strand, the reverse complement: PROM1 is on the minus strand); deleting any 2 consecutive bases within chr4:16,006,568-16,006,572 gives the same sequence; the c. name uses the placement nearest the transcript's 3' end. VCF-style (leftmost placement, unchanged base first): chr4-16006567-GAC-G. GRCh37 (hg19) VCF-style: chr4-16008190-GAC-G.
Other names: c.1396_1397del, p.Val466fs (NM_001145847.2, NM_001145848.2, NM_001145851.2 and 4 more transcripts); c.1423_1424del, p.Val475fs (NM_001145849.2, NM_001145850.2); short protein forms V475fs, V466fs.
Identifiers: ClinVar variation 1351895 (VCV001351895.7), dbSNP rs1386427036, ClinGen allele CA789850355.